The following is an entry in ClinVar:

ClinVar aggregate classification (germline): Uncertain significance (1 of 4 stars; one submission).

Conditions:
Bethlem myopathy 1A. Also called: Bethlem myopathy 1; MYOPATHY, BENIGN CONGENITAL, WITH CONTRACTURES; Bethlem Muscular Dystrophy. Identifiers: Orphanet 610, MedGen CN029274, MONDO:0024530, OMIM 158810.

Allele frequency attached by ClinVar (database versions not stated): gnomAD 0.00001.
gnomAD v4.1: 1 of 1,613,986 alleles (0.000062%); highest among the groups gnomAD compares: Non-Finnish European, 0.000085%; no homozygotes.

Submission:

Labcorp Genetics (formerly Invitae), Labcorp
Classification: Uncertain significance for Bethlem myopathy 1A. Last evaluated: 2025-10-23. Review status: criteria provided, single submitter. Criteria: Invitae Variant Classification Sherloc (09022015). Collection method: clinical testing. Allele origin: germline.
Comment: This sequence change replaces serine, which is neutral and polar, with arginine, which is basic and polar, at codon 1291 of the COL6A3 protein (p.Ser1291Arg). This variant is present in population databases (no rsID available, gnomAD 0.007%). This variant has not been reported in the literature in individuals affected with COL6A3-related conditions. ClinVar contains an entry for this variant (Variation ID: 2796459). Invitae Evidence Modeling of protein sequence and biophysical properties (such as structural, functional, and spatial information, amino acid conservation, physicochemical variation, residue mobility, and thermodynamic stability) indicates that this missense variant is not expected to disrupt COL6A3 protein function with a negative predictive value of 80%. In summary, the available evidence is currently insufficient to determine the role of this variant in disease. Therefore, it has been classified as a Variant of Uncertain Significance.

NM_004369.4(COL6A3):c.3873C>G (p.Ser1291Arg)

Gene: COL6A3 (collagen type VI alpha 3 chain; minus strand). Cytogenetic location: 2q37.3.
Variant type: single nucleotide variant.
Coding change: c.3873C>G on transcript NM_004369.4 (MANE Select); coding-DNA position 3873, C replaced by G.
Protein change: p.Ser1291Arg; replaces serine 1291 with arginine.
Molecular consequence: missense variant.
Genome position (GRCh38, 1-based): chr2:237,372,144, G>C on the plus strand (C>G on the coding strand, the complement: COL6A3 is on the minus strand). VCF-style: chr2-237372144-G-C. GRCh37 (hg19) VCF-style: chr2-238280787-G-C.
Other names: c.2652C>G, p.Ser884Arg (NM_057164.5); c.3255C>G, p.Ser1085Arg (NM_057165.5, NM_057167.4); c.2052C>G, p.Ser684Arg (NM_057166.5); short protein forms S884R, S1291R, S1085R, S684R.
Identifiers: ClinVar variation 2796459 (VCV002796459.3), dbSNP rs868768490, ClinGen allele CA351198643.